The following is an entry in ClinVar:

NM_001999.4(FBN2):c.7153C>A (p.Leu2385Ile)

Gene: FBN2 (fibrillin 2; minus strand). Cytogenetic location: 5q23.3.
Variant type: single nucleotide variant.
Coding change: c.7153C>A on transcript NM_001999.4 (MANE Select); coding-DNA position 7153, C replaced by A.
Protein change: p.Leu2385Ile; replaces leucine 2385 with isoleucine.
Molecular consequence: missense variant.
Genome position (GRCh38, 1-based): chr5:128,278,827, G>T on the plus strand (C>A on the coding strand, the complement: FBN2 is on the minus strand). VCF-style: chr5-128278827-G-T. GRCh37 (hg19) VCF-style: chr5-127614519-G-T.
Other names: short protein forms L2385I.
Identifiers: ClinVar variation 1757406 (VCV001757406.2), dbSNP rs758588318, ClinGen allele CA3394195.

ClinVar aggregate classification (germline): Uncertain significance (1 of 4 stars; one submission).

Conditions:
Familial thoracic aortic aneurysm and aortic dissection (TAAD). Also called: Thoracic aortic aneurysms and dissections. Identifiers: Orphanet 91387, MedGen C4707243, MONDO:0019625.

Allele frequency attached by ClinVar (database versions not stated): gnomAD exomes below 0.00001; ExAC 0.00001.
gnomAD v4.1: 1 of 1,613,630 alleles (0.000062%); highest among the groups gnomAD compares: Non-Finnish European, 0.000085%; no homozygotes.

Submission:

Ambry Genetics
Classification: Uncertain significance for Familial thoracic aortic aneurysm and aortic dissection. Last evaluated: 2020-03-11. Review status: criteria provided, single submitter. Criteria: Ambry Variant Classification Scheme 2023. Collection method: clinical testing. Allele origin: germline.
Comment: The p.L2385I variant (also known as c.7153C>A), located in coding exon 57 of the FBN2 gene, results from a C to A substitution at nucleotide position 7153. The leucine at codon 2385 is replaced by isoleucine, an amino acid with highly similar properties, and is located in the TGFBP #07 domain. This amino acid position is not well conserved in available vertebrate species. In addition, this alteration is predicted to be tolerated by in silico analysis. Since supporting evidence is limited at this time, the clinical significance of this alteration remains unclear.